The following is an entry in ClinVar:

NM_021975.4(RELA):c.34+5G>A

Gene: RELA (RELA proto-oncogene, NF-kB subunit; minus strand). Cytogenetic location: 11q13.1.
Variant type: single nucleotide variant.
Coding change: c.34+5G>A on transcript NM_021975.4 (MANE Select); 5 bases into the intron after coding-DNA position 34, G replaced by A.
Molecular consequence: intron variant.
Genome position (GRCh38, 1-based): chr11:65,662,174, C>T on the plus strand (G>A on the coding strand, the complement: RELA is on the minus strand). VCF-style: chr11-65662174-C-T. GRCh37 (hg19) VCF-style: chr11-65429645-C-T.
Other names: c.34+5G>A (NM_001145138.2, NM_001243984.2, NM_001243985.2).
Identifiers: ClinVar variation 1481201 (VCV001481201.7), dbSNP rs2135573626, ClinGen allele CA2573147392.

ClinVar aggregate classification (germline): Uncertain significance (1 of 4 stars; one submission).

Allele frequency attached by ClinVar (database versions not stated): gnomAD exomes 0.00002.
gnomAD v4.1: 27 of 1,590,544 alleles (0.0017%); highest among the groups gnomAD compares: Non-Finnish European, 0.0022%; no homozygotes.

Submissions (2):

Labcorp Genetics (formerly Invitae), Labcorp
Classification: Uncertain significance. Last evaluated: 2021-02-04. Review status: criteria provided, single submitter. Criteria: Invitae Variant Classification Sherloc (09022015). Collection method: clinical testing. Allele origin: germline.
Comment: In summary, the available evidence is currently insufficient to determine the role of this variant in disease. Therefore, it has been classified as a Variant of Uncertain Significance. Nucleotide substitutions within the consensus splice site are a relatively common cause of aberrant splicing (PMID: 17576681, 9536098). Algorithms developed to predict the effect of sequence changes on RNA splicing suggest that this variant may disrupt the consensus splice site, but this prediction has not been confirmed by published transcriptional studies. This variant has not been reported in the literature in individuals with RELA-related conditions. This variant is not present in population databases (ExAC no frequency). This sequence change falls in intron 2 of the RELA gene. It does not directly change the encoded amino acid sequence of the RELA protein. It affects a nucleotide within the consensus splice site of the intron.

Dr. Peter K. Rogan Lab, Western University
No classification provided (evidence only). Condition: Acute myeloid leukemia. Review status: no classification provided. Collection method: in vitro. Allele origin: not applicable. Functional consequence: retained intron. Not counted in ClinVar's aggregate classification.

Literature cited by the submitters: PubMed 17576681 (cited by Labcorp Genetics (formerly Invitae), Labcorp); PubMed 9536098 (cited by Labcorp Genetics (formerly Invitae), Labcorp).